The following is an entry in ClinVar:

NM_001374736.1(DST):c.20767G>A (p.Ala6923Thr)

Gene: DST (dystonin; minus strand). Cytogenetic location: 6p12.1.
Variant type: single nucleotide variant.
Coding change: c.20767G>A on transcript NM_001374736.1 (MANE Select); coding-DNA position 20767, G replaced by A.
Protein change: p.Ala6923Thr; replaces alanine 6923 with threonine.
Molecular consequence: missense variant.
Genome position (GRCh38, 1-based): chr6:56,489,600, C>T on the plus strand (G>A on the coding strand, the complement: DST is on the minus strand). VCF-style: chr6-56489600-C-T. GRCh37 (hg19) VCF-style: chr6-56354398-C-T.
Other names: c.14410G>A, p.Ala4804Thr (NM_001144769.5); c.13996G>A, p.Ala4666Thr (NM_001144770.2); c.20767G>A, p.Ala6923Thr (NM_001374722.1); c.19807G>A, p.Ala6603Thr (NM_001374729.1); c.13549G>A, p.Ala4517Thr (NM_001374730.1); c.20794G>A, p.Ala6932Thr (NM_001374734.1); c.13876G>A, p.Ala4626Thr (NM_001386100.1, NM_183380.4); c.12898G>A, p.Ala4300Thr (NM_015548.5); short protein forms A4300T, A4517T, A4626T, A4666T, A4804T, A6603T, A6923T, A6932T.
Identifiers: ClinVar variation 1019673 (VCV001019673.9), dbSNP rs767948298, ClinGen allele CA3866669.
Genomic context (GRCh38, chr6:56,489,600, plus strand): 5'-CCAGTTCAGAATCCAAAGACTTTTCTGACTCTTCTAGCCACTCCATAAGTTTACTCCAAG[C>T]TTCATGGAACTAGAAAGAAATTCACACCTTTGTCTGAAAATTTTTCAAGCATATTATACT-3'
Protein context (NP_001361665.1, residues 6913-6933): ARKRAKQFHE[Ala6923Thr]WSKLMEWLEE

ClinVar aggregate classification (germline): Uncertain significance. Review status: criteria provided, multiple submitters, no conflicts (2 of 4 stars). 3 submissions from 3 submitters: Uncertain significance (3). Last evaluated 2025-12-08.

Conditions:
Hereditary sensory and autonomic neuropathy type 6. Also called: Neuropathy, hereditary sensory and autonomic, type VI; HSAN VI. Identifiers: Orphanet 314381, MedGen C3539003, MONDO:0013839, OMIM 614653.
Epidermolysis bullosa simplex 3, localized or generalized intermediate, with BP230 deficiency (EBS3). Also called: Epidermolysis bullosa simplex, autosomal recessive 2; Epidermolysis bullosa simplex due to BP230 deficiency. Identifiers: Orphanet 412181, MedGen C3809470, MONDO:0014180, OMIM 615425.
Inborn genetic diseases. Identifiers: MedGen C0950123, MeSH D030342.
DST-related disorder. Also called: DST-related condition; DST-related disorders.

Allele frequency attached by ClinVar (database versions not stated): gnomAD exomes 0.00004 and 0.00005; ExAC 0.00005; TOPMed 0.00005; gnomAD 0.00006 and 0.00007.
gnomAD v4.1: 81 of 1,609,926 alleles (0.005%); highest among the groups gnomAD compares: Non-Finnish European, 0.0066%; no homozygotes.

Submissions (3):

Labcorp Genetics (formerly Invitae), Labcorp
Classification: Uncertain significance for Epidermolysis bullosa simplex 3, localized or generalized intermediate, with BP230 deficiency; Hereditary sensory and autonomic neuropathy type 6. Last evaluated: 2025-12-08. Review status: criteria provided, single submitter. Criteria: Invitae Variant Classification Sherloc (09022015). Collection method: clinical testing. Allele origin: germline.
Comment: The DST gene has multiple clinically relevant transcripts. This variant occurs in alternate transcript NM_015548.4, and corresponds to NM_001723.5:c.*125917G>A in the primary transcript. This sequence change replaces alanine, which is neutral and non-polar, with threonine, which is neutral and polar, at codon 4300 of the DST protein (p.Ala4300Thr). This variant is present in population databases (rs767948298, gnomAD 0.01%). This variant has not been reported in the literature in individuals affected with DST-related conditions. ClinVar contains an entry for this variant (Variation ID: 1019673). Experimental studies and prediction algorithms are not available or were not evaluated, and the functional significance of this variant is currently unknown. In summary, the available evidence is currently insufficient to determine the role of this variant in disease. Therefore, it has been classified as a Variant of Uncertain Significance.

PreventionGenetics, part of Exact Sciences
Classification: Uncertain significance for DST-related condition. Last evaluated: 2025-10-08. Review status: criteria provided, single submitter. Criteria: ACMG Guidelines, 2015. Collection method: clinical testing. Allele origin: germline.
Comment: The DST c.14410G>A variant is predicted to result in the amino acid substitution p.Ala4804Thr. To our knowledge, this variant has not been reported in the literature. This variant is reported in 0.0097% of alleles in individuals of Ashkenazi Jewish descent in gnomAD. At this time, the clinical significance of this variant is uncertain due to the absence of conclusive functional and genetic evidence.

Ambry Genetics
Classification: Uncertain significance for Inborn genetic diseases. Last evaluated: 2023-03-09. Review status: criteria provided, single submitter. Criteria: Ambry Variant Classification Scheme 2023. Collection method: clinical testing. Allele origin: germline.